The following is an entry in ClinVar:

ClinVar aggregate classification (germline): Conflicting classifications of pathogenicity. Review status: criteria provided, conflicting classifications (1 of 4 stars). 6 submissions from 6 submitters: Uncertain significance (5); Likely benign (1). Last evaluated 2026-07-01.

Conditions:
SH3TC2-related disorder. Also called: SH3TC2-related disorders; SH3TC2-related condition. Identifiers: MedGen CN239303.
Charcot-Marie-Tooth disease type 4. Also called: Charcot-Marie-Tooth disease, type IV; Charcot-Marie-Tooth, Type 4. Identifiers: Orphanet 64749, MedGen C4082197, MONDO:0018995.

Allele frequency attached by ClinVar (database versions not stated): gnomAD exomes 0.00002 and 0.00003; TOPMed 0.00004; ExAC 0.00006; gnomAD 0.00006; 1000 Genomes Project 0.00020; 1000 Genomes Project 30x 0.00031.
gnomAD v4.1: 43 of 1,613,736 alleles (0.0027%); highest among the groups gnomAD compares: African/African-American, 0.02%; no homozygotes.

Submissions (6):

CeGaT Center for Human Genetics Tuebingen
Classification: Uncertain significance. Last evaluated: 2026-07-01. Review status: criteria provided, single submitter. Criteria: CeGaT Center For Human Genetics Tuebingen Variant Classification Criteria Version 2. Collection method: clinical testing. Allele origin: germline. Affected: yes. Observed: 2 variant alleles.

PreventionGenetics, part of Exact Sciences
Classification: Uncertain significance for SH3TC2-related condition. Last evaluated: 2025-12-23. Review status: criteria provided, single submitter. Criteria: ACMG Guidelines, 2015. Collection method: clinical testing. Allele origin: germline.
Comment: The SH3TC2 c.3835C>T variant is predicted to result in the amino acid substitution p.Arg1279Trp. To our knowledge, this variant has not been reported in the literature. This variant is reported in 0.012% of alleles in individuals of African descent in gnomAD. At this time, the clinical significance of this variant is uncertain due to the absence of conclusive functional and genetic evidence.

Labcorp Genetics (formerly Invitae), Labcorp
Classification: Likely benign for Charcot-Marie-Tooth disease type 4. Last evaluated: 2025-11-07. Review status: criteria provided, single submitter. Criteria: Invitae Variant Classification Sherloc (09022015). Collection method: clinical testing. Allele origin: germline.

Revvity Omics, Revvity
Classification: Uncertain significance. Last evaluated: 2025-06-10. Review status: criteria provided, single submitter. Criteria: ACMG Guidelines, 2015. Collection method: clinical testing. Allele origin: germline.

Blueprint Genetics
Classification: Uncertain significance. Last evaluated: 2023-10-05. Review status: criteria provided, single submitter. Criteria: ACMG Guidelines, 2015. Collection method: clinical testing. Allele origin: germline.

Athena Diagnostics
Classification: Uncertain significance. Last evaluated: 2021-01-08. Review status: criteria provided, single submitter. Criteria: Athena Diagnostics criteria. Collection method: clinical testing. Allele origin: unknown.

NM_024577.4(SH3TC2):c.3835C>T (p.Arg1279Trp)

Gene: SH3TC2 (SH3 domain and tetratricopeptide repeats 2; minus strand). Cytogenetic location: 5q32.
Variant type: single nucleotide variant.
Coding change: c.3835C>T on transcript NM_024577.4 (MANE Select); coding-DNA position 3835, C replaced by T.
Protein change: p.Arg1279Trp; replaces arginine 1279 with tryptophan.
Molecular consequence: missense variant.
Genome position (GRCh38, 1-based): chr5:149,004,743, G>A on the plus strand (C>T on the coding strand, the complement: SH3TC2 is on the minus strand). VCF-style: chr5-149004743-G-A. GRCh37 (hg19) VCF-style: chr5-148384306-G-A.
Other names: short protein forms R1279W.
Identifiers: ClinVar variation 574113 (VCV000574113.13), dbSNP rs536334280, ClinGen allele CA3498615.